The following is an entry in ClinVar:

ClinVar aggregate classification (germline): Uncertain significance (1 of 4 stars; one submission).

Conditions:
Ullrich congenital muscular dystrophy 2 (UCMD2). Identifiers: Orphanet 75840, MedGen C4225314, MONDO:0014654, OMIM 616470.
Bethlem myopathy 2 (BTHLM2). Identifiers: Orphanet 536516, Orphanet 610, MedGen C4225313, MONDO:0034022, OMIM 616471.

Submission:

Labcorp Genetics (formerly Invitae), Labcorp
Classification: Uncertain significance for Bethlem myopathy 2; Ullrich congenital muscular dystrophy 2. Last evaluated: 2021-06-21. Review status: criteria provided, single submitter. Criteria: Invitae Variant Classification Sherloc (09022015). Collection method: clinical testing. Allele origin: germline.
Comment: In summary, the available evidence is currently insufficient to determine the role of this variant in disease. Therefore, it has been classified as a Variant of Uncertain Significance. Algorithms developed to predict the effect of missense changes on protein structure and function are either unavailable or do not agree on the potential impact of this missense change (SIFT: "Deleterious"; PolyPhen-2: "Probably Damaging"; Align-GVGD: "Class C0"). This variant has not been reported in the literature in individuals with COL12A1-related conditions. This variant is not present in population databases (ExAC no frequency). This sequence change replaces serine with alanine at codon 168 of the COL12A1 protein (p.Ser168Ala). The serine residue is moderately conserved and there is a moderate physicochemical difference between serine and alanine.

NM_004370.6(COL12A1):c.502T>G (p.Ser168Ala)

Gene: COL12A1 (collagen type XII alpha 1 chain; minus strand). Cytogenetic location: 6q13.
Variant type: single nucleotide variant.
Coding change: c.502T>G on transcript NM_004370.6 (MANE Select); coding-DNA position 502, T replaced by G.
Protein change: p.Ser168Ala; replaces serine 168 with alanine.
Molecular consequence: missense variant. On other transcripts: intron variant (1).
Genome position (GRCh38, 1-based): chr6:75,189,708, A>C on the plus strand (T>G on the coding strand, the complement: COL12A1 is on the minus strand). VCF-style: chr6-75189708-A-C. GRCh37 (hg19) VCF-style: chr6-75899424-A-C.
Other names: c.73+13012T>G (NM_080645.3); short protein forms S168A.
Identifiers: ClinVar variation 1464737 (VCV001464737.8), dbSNP rs2149475862, ClinGen allele CA364729589.